The following continues an entry in ClinVar:

NM_000020.3(ACVRL1):c.1435C>T (p.Arg479Ter)

Gene: ACVRL1. ClinVar aggregate classification (germline): Pathogenic. Pathogenic (11).

Submissions 8 to 13 of 13:

GeneDx
Classification: Pathogenic. Last evaluated: 2022-03-10. Review status: criteria provided, single submitter. Criteria: GeneDx Variant Classification Process June 2021. Collection method: clinical testing. Allele origin: germline. Affected: yes.
Comment: Nonsense variant in the C-terminus predicted to result in protein truncation as the last 25 amino acids are lost, and other loss-of-function variants have been reported downstream in HGMD; Not observed at significant frequency in large population cohorts (gnomAD); This variant is associated with the following publications: (PMID: 21158752, 16429404, 26387786, 23722869, 15024723, 17384219, 16540754, 24196379, 16861286, 18673552, 15517393, 15065824, 15712271, 15266205, 17786384, 23919827, 29631995, 30578397, 31220907, 32503579, 32300199)

Victorian Clinical Genetics Services, Murdoch Childrens Research Institute
Classification: Pathogenic for Telangiectasia, hereditary hemorrhagic, type 2. Last evaluated: 2021-05-06. Review status: criteria provided, single submitter. Criteria: ACMG Guidelines, 2015. Collection method: clinical testing. Allele origin: germline. Inheritance: Autosomal dominant inheritance.
Comment: Based on the classification scheme VCGS_Germline_v1.3.4, this variant is classified as Pathogenic. Following criteria are met: 0103 - Dominant negative and loss of function are known mechanisms of disease in this gene and are associated with hereditary haemorrhagic telangiectasia type 2 (MIM#600376) (PMID: 16282348, PMID: 26176610). (I) 0107 - This gene is associated with autosomal dominant disease. (I) 0115 - Variants in this gene are known to have variable expressivity. Clinical expression is extremely variable and age-dependent (PMID: 19767588). (I) 0205 - Variant is predicted to result in a truncated protein (premature termination codon is NOT located at least 54 nucleotides upstream of the final exon-exon junction) with less than 1/3 of the protein sequence affected. (SP) 0251 - This variant is heterozygous. (I) 0302 - Variant is present in gnomAD (v2) <0.001 for a dominant condition (1 heterozygote). (SP) 0702 - Truncating variants comparable to the one identified in this case have strong previous evidence for pathogenicity. Other protein truncating variants have previously been reported as pathogenic in individuals with hereditary haemorrhagic telangiectasia type 2 (ClinVar). (SP) 0801 - This variant has strong previous evidence of pathogenicity in unrelated individuals.This variant has previously been reported in individuals with hereditary haemorrhagic telangiectasia (ClinVar). (SP) 1208 - Inheritance information for this variant is not currently available in this individual. (I) Legend: (SP) - Supporting pathogenic, (I) - Information, (SB) - Supporting benign

Blueprint Genetics
Classification: Pathogenic for ACVRL1-related disorders. Last evaluated: 2020-06-25. Review status: criteria provided, single submitter. Criteria: ACMG Guidelines, 2015. Collection method: clinical testing. Allele origin: germline. Affected: yes. Observed: 3 variant alleles.

NIHR Bioresource Rare Diseases, University of Cambridge
Classification: Pathogenic for Telangiectasia, hereditary hemorrhagic, type 2. Last evaluated: 2018-01-01. Review status: criteria provided, single submitter. Criteria: ACMG Guidelines, 2015. Collection method: research. Allele origin: unknown. Affected: yes. Observed: 3 variant alleles.
Comment: PVS1+PM2+PP4

Genetics, Medical University of Vienna
Classification: Likely pathogenic for Hereditary hemorrhagic telangiectasia. Last evaluated: 2024-11-01. Review status: no assertion criteria provided. Collection method: research. Allele origin: germline. Affected: yes. Not counted in ClinVar's aggregate classification.

Rare Disease Genomics Group, St George's University of London
Classification: Pathogenic for Pulmonary arterial hypertension related to hereditary hemorrhagic telangiectasia. Review status: no assertion criteria provided. Collection method: literature only. Allele origin: germline. Affected: yes. Not counted in ClinVar's aggregate classification.

Literature cited by the submitters: PubMed 15024723 (cited by Labcorp Genetics (formerly Invitae), Labcorp and Molecular Genetics, Royal Melbourne Hospital); PubMed 15065824 (cited by 3 submitters); PubMed 15517393 (cited by Labcorp Genetics (formerly Invitae), Labcorp); PubMed 15712271 (cited by Labcorp Genetics (formerly Invitae), Labcorp); PubMed 16429404 (cited by Labcorp Genetics (formerly Invitae), Labcorp); PubMed 16540754 (cited by Labcorp Genetics (formerly Invitae), Labcorp and Molecular Genetics, Royal Melbourne Hospital); PubMed 18673552 (cited by Labcorp Genetics (formerly Invitae), Labcorp); PubMed 21158752 (cited by Labcorp Genetics (formerly Invitae), Labcorp and Ambry Genetics); PubMed 23722869 (cited by Labcorp Genetics (formerly Invitae), Labcorp); PubMed 16470787 (cited by Labcorp Genetics (formerly Invitae), Labcorp); PubMed 16705692 (cited by Labcorp Genetics (formerly Invitae), Labcorp); PubMed 20501893 (cited by Labcorp Genetics (formerly Invitae), Labcorp); PubMed 17384219 (cited by Ambry Genetics); PubMed 24196379 (cited by Ambry Genetics); PubMed 16861286 (cited by Molecular Genetics, Royal Melbourne Hospital); PubMed 32300199 (cited by Mayo Clinic Laboratories, Mayo Clinic); PubMed 32503579 (cited by Mayo Clinic Laboratories, Mayo Clinic); PubMed 16282348 (cited by Victorian Clinical Genetics Services, Murdoch Childrens Research Institute); PubMed 19767588 (cited by Victorian Clinical Genetics Services, Murdoch Childrens Research Institute); PubMed 26176610 (cited by Victorian Clinical Genetics Services, Murdoch Childrens Research Institute); PubMed 32573726 (cited by NIHR Bioresource Rare Diseases, University of Cambridge); PubMed 31220907 (cited by Genetics, Medical University of Vienna); PubMed 23919827 (cited by Rare Disease Genomics Group, St George's University of London).